The following is an entry in ClinVar:

NM_001277115.2(DNAH11):c.9724A>G (p.Lys3242Glu)

Gene: DNAH11 (dynein axonemal heavy chain 11; plus strand). Cytogenetic location: 7p15.3.
Variant type: single nucleotide variant.
Coding change: c.9724A>G on transcript NM_001277115.2 (MANE Select); coding-DNA position 9724, A replaced by G.
Protein change: p.Lys3242Glu; replaces lysine 3242 with glutamic acid.
Molecular consequence: missense variant.
Genome position (GRCh38, 1-based): chr7:21,786,750, A>G. VCF-style: chr7-21786750-A-G. GRCh37 (hg19) VCF-style: chr7-21826368-A-G.
Other names: short protein forms K3242E.
Identifiers: ClinVar variation 4607732 (VCV004607732.1).

ClinVar aggregate classification (germline): Uncertain significance (1 of 4 stars; one submission).

Conditions:
Primary ciliary dyskinesia. Also called: Ciliary dyskinesia. Identifiers: Orphanet 244, MedGen C0008780, MONDO:0016575, HP:0012265.

gnomAD v4.1: 2 of 1,613,690 alleles (0.00012%); highest among the groups gnomAD compares: East Asian, 0.0022%; no homozygotes.

Submission:

Ambry Genetics
Classification: Uncertain significance for Primary ciliary dyskinesia. Last evaluated: 2025-12-06. Review status: criteria provided, single submitter. Criteria: Ambry Variant Classification Scheme 2023. Collection method: clinical testing. Allele origin: germline.
Comment: The p.K3242E variant (also known as c.9724A>G), located in coding exon 59 of the DNAH11 gene, results from an A to G substitution at nucleotide position 9724. The lysine at codon 3242 is replaced by glutamic acid, an amino acid with similar properties. This amino acid position is conserved. In addition, the in silico prediction for this alteration is inconclusive. Based on the available evidence, the clinical significance of this variant remains unclear.